The following continues an entry in ClinVar:

NM_024675.4(PALB2):c.3257G>A (p.Arg1086Gln)

Gene: PALB2. ClinVar aggregate classification (germline): Conflicting classifications of pathogenicity. Uncertain significance (10); Benign (1); Likely benign (4).

Submissions 9 to 17 of 17:

Laboratorio de Genetica e Diagnostico Molecular, Hospital Israelita Albert Einstein
Classification: Uncertain significance for Familial cancer of breast. Last evaluated: 2022-08-19. Review status: criteria provided, single submitter. Criteria: ACMG Guidelines, 2015. Collection method: clinical testing. Allele origin: germline. Affected: yes. Observed: 1 variant allele.
Comment: ACMG classification criteria: BP4 supporting

Department of Pathology and Laboratory Medicine, Sinai Health System
Classification: Uncertain significance for Fanconi anemia complementation group N; Pancreatic cancer, susceptibility to, 3; Breast-ovarian cancer, familial, susceptibility to, 5. Last evaluated: 2022-07-27. Review status: criteria provided, single submitter. Criteria: ACMG Guidelines, 2015. Collection method: clinical testing. Allele origin: germline. Affected: no.

National Health Laboratory Service, Universitas Academic Hospital and University of the Free State
Classification: Likely benign for Hereditary breast ovarian cancer syndrome. Last evaluated: 2022-04-19. Review status: criteria provided, single submitter. Criteria: ACMG Guidelines, 2015. Collection method: clinical testing. Allele origin: germline. Affected: yes. Observed: 1 variant allele.

Sema4
Classification: Uncertain significance for Hereditary cancer-predisposing syndrome. Last evaluated: 2021-08-23. Review status: criteria provided, single submitter. Criteria: Sema4 Curation Guidelines. Collection method: curation. Allele origin: germline.
Comment: The PALB2 c.3257G>A p.R1086Q variant has been reported in heterozygosity in at least one individual with breast cancer and at least one individual with endometrial cancer (PMID: 30287823, 27443514). It was also observed in controls (PMID: 30287823, 32980694, 33309985,33471991). It was observed in 11/24954 chromosomes of the African/African American subpopulation, with no homozygotes, in the large and broad cohorts of the Genome Aggregation Database (PMID: 32461654). The variant has been reported in ClinVar (Variation ID 142035). In silico tools suggest the impact of the variant on protein function is benign, though these predictions have not been confirmed by functional studies. The evidence is insufficient to meet ACMG/AMP criteria for classifying the variant as benign or pathogenic. Thus, the clinical significance of this variant is currently uncertain.

Genetic Services Laboratory, University of Chicago
Classification: Uncertain significance. Last evaluated: 2019-10-08. Review status: criteria provided, single submitter. Criteria: ACMG Guidelines, 2015. Collection method: clinical testing. Allele origin: germline. Affected: no.

Ambry Genetics
Classification: Likely benign for Hereditary cancer-predisposing syndrome. Last evaluated: 2018-08-31. Review status: criteria provided, single submitter. Criteria: Ambry Variant Classification Scheme 2023. Collection method: clinical testing. Allele origin: germline.

Color Diagnostics, LLC DBA Color Health
Classification: Likely benign for Hereditary cancer-predisposing syndrome. Last evaluated: 2016-05-19. Review status: criteria provided, single submitter. Criteria: ACMG Guidelines, 2015. Collection method: clinical testing. Allele origin: germline.

Leiden Open Variation Database
Classification: Benign. Last evaluated: 2018-10-10. Review status: no assertion criteria provided. Collection method: curation. Allele origin: germline. Affected: yes. Not counted in ClinVar's aggregate classification.
Comment: Curators: Marc Tischkowitz, Arleen D. Auerbach. Submitter to LOVD: Yukihide Momozawa.

Counsyl
Classification: Uncertain significance for Familial cancer of breast. Last evaluated: 2017-01-30. Review status: no assertion criteria provided. Collection method: clinical testing. Allele origin: unknown. Not counted in ClinVar's aggregate classification.

Literature cited by the submitters: PubMed 27443514 (cited by 5 submitters); PubMed 30287823 (cited by 6 submitters); PubMed 35264596 (cited by 3 submitters); PubMed 35534704 (cited by Labcorp Genetics (formerly Invitae), Labcorp and Quest Diagnostics Nichols Institute San Juan Capistrano); PubMed 23555315 (cited by 4 submitters); PubMed 36243179 (cited by Women's Health and Genetics/Laboratory Corporation of America, LabCorp and Quest Diagnostics Nichols Institute San Juan Capistrano); PubMed 33309985 (cited by Quest Diagnostics Nichols Institute San Juan Capistrano and Sema4); PubMed 32980694 (cited by Quest Diagnostics Nichols Institute San Juan Capistrano and Sema4); PubMed 31214711 (cited by Quest Diagnostics Nichols Institute San Juan Capistrano); PubMed 33471991 (cited by Quest Diagnostics Nichols Institute San Juan Capistrano and Sema4); PubMed 25085752 (cited by Myriad Genetics, Inc.).